The following is an entry in ClinVar:

ClinVar aggregate classification (germline): Uncertain significance (1 of 4 stars; one submission).

Allele frequency attached by ClinVar (database versions not stated): gnomAD exomes below 0.00001; TOPMed 0.00001.

Submission:

GeneDx
Classification: Uncertain significance. Last evaluated: 2025-02-13. Review status: criteria provided, single submitter. Criteria: GeneDx Variant Classification Process June 2021. Collection method: clinical testing. Allele origin: germline. Affected: yes.
Comment: Not observed at significant frequency in large population cohorts (gnomAD); In silico analysis indicates that this missense variant does not alter protein structure/function; Has not been previously published as pathogenic or benign to our knowledge

NM_014159.7(SETD2):c.7168G>A (p.Val2390Ile)

Gene: SETD2 (SET domain containing 2, histone lysine methyltransferase; minus strand). Cytogenetic location: 3p21.31.
Variant type: single nucleotide variant.
Coding change: c.7168G>A on transcript NM_014159.7 (MANE Select); coding-DNA position 7168, G replaced by A.
Protein change: p.Val2390Ile; replaces valine 2390 with isoleucine.
Molecular consequence: missense variant. On other transcripts: non-coding transcript variant (1).
Genome position (GRCh38, 1-based): chr3:47,042,631, C>T on the plus strand (G>A on the coding strand, the complement: SETD2 is on the minus strand). VCF-style: chr3-47042631-C-T. GRCh37 (hg19) VCF-style: chr3-47084121-C-T.
Other names: c.7036G>A, p.Val2346Ile (NM_001349370.3); short protein forms V2346I, V2390I.
Identifiers: ClinVar variation 1696880 (VCV001696880.4), dbSNP rs1468250923, ClinGen allele CA352514283.
Genomic context (GRCh38, chr3:47,042,631, plus strand): 5'-CATGGTAGTAATAAATCTTCCCTTCTGGATCTCGAGCTGTCTTCCAGTTGGGAGGTAAGA[C>T]AATGGTTTTTGGTTTGGGAGGAGAGGGGGGCGGCAGATCCAAGAGATTATTTGTCACAAC-3'
Protein context (NP_054878.5, residues 2380-2400): PPSPPKPKTI[Val2390Ile]LPPNWKTARD